The following is an entry in ClinVar:

NM_020937.4(FANCM):c.4292A>G (p.Lys1431Arg)

Gene: FANCM (FA complementation group M; plus strand). Cytogenetic location: 14q21.2.
Variant type: single nucleotide variant.
Coding change: c.4292A>G on transcript NM_020937.4 (MANE Select); coding-DNA position 4292, A replaced by G.
Protein change: p.Lys1431Arg; replaces lysine 1431 with arginine.
Molecular consequence: missense variant.
Genome position (GRCh38, 1-based): chr14:45,181,499, A>G. VCF-style: chr14-45181499-A-G. GRCh37 (hg19) VCF-style: chr14-45650702-A-G.
Other names: c.4214A>G, p.Lys1405Arg (NM_001308133.2); short protein forms K1431R, K1405R.
Identifiers: ClinVar variation 845522 (VCV000845522.7), dbSNP rs752438783, ClinGen allele CA7169675.

ClinVar aggregate classification (germline): Uncertain significance. Review status: criteria provided, multiple submitters, no conflicts (2 of 4 stars). 3 submissions from 3 submitters: Uncertain significance (3). Last evaluated 2025-06-12.

Conditions:
Inborn genetic diseases. Identifiers: MedGen C0950123, MeSH D030342.
Fanconi anemia (FA). Also called: Fanconi's anemia. Identifiers: Orphanet 84, MedGen C0015625, MeSH D005199, MONDO:0019391.

Allele frequency attached by ClinVar (database versions not stated): gnomAD exomes below 0.00001 and 0.00002; gnomAD 0.00002; ExAC 0.00001; TOPMed 0.00001.
gnomAD v4.1: 9 of 1,607,066 alleles (0.00056%); highest among the groups gnomAD compares: East Asian, 0.018%; no homozygotes.

Submissions (3):

GeneDx
Classification: Uncertain significance. Last evaluated: 2025-06-12. Review status: criteria provided, single submitter. Criteria: GeneDx Variant Classification Process June 2021. Collection method: clinical testing. Allele origin: germline. Affected: yes.
Comment: In silico analysis suggests that this missense variant does not alter protein structure/function; Has not been previously published as pathogenic or benign to our knowledge

Ambry Genetics
Classification: Uncertain significance for Inborn genetic diseases. Last evaluated: 2024-11-25. Review status: criteria provided, single submitter. Criteria: Ambry Variant Classification Scheme 2023. Collection method: clinical testing. Allele origin: germline.
Comment: The p.K1431R variant (also known as c.4292A>G), located in coding exon 15 of the FANCM gene, results from an A to G substitution at nucleotide position 4292. The lysine at codon 1431 is replaced by arginine, an amino acid with highly similar properties. This amino acid position is conserved. In addition, this alteration is predicted to be tolerated by in silico analysis. Based on the available evidence, the clinical significance of this variant remains unclear.

Labcorp Genetics (formerly Invitae), Labcorp
Classification: Uncertain significance for Fanconi anemia. Last evaluated: 2022-11-01. Review status: criteria provided, single submitter. Criteria: Invitae Variant Classification Sherloc (09022015). Collection method: clinical testing. Allele origin: germline.
Comment: ClinVar contains an entry for this variant (Variation ID: 845522). This variant has not been reported in the literature in individuals affected with FANCM-related conditions. This variant is present in population databases (rs752438783, gnomAD 0.03%). This sequence change replaces lysine, which is basic and polar, with arginine, which is basic and polar, at codon 1431 of the FANCM protein (p.Lys1431Arg). Algorithms developed to predict the effect of missense changes on protein structure and function output the following: SIFT: "Tolerated"; PolyPhen-2: "Benign"; Align-GVGD: "Class C0". The arginine amino acid residue is found in multiple mammalian species, which suggests that this missense change does not adversely affect protein function. In summary, the available evidence is currently insufficient to determine the role of this variant in disease. Therefore, it has been classified as a Variant of Uncertain Significance.